The following is an entry in ClinVar:

ClinVar aggregate classification (germline): Conflicting classifications of pathogenicity. Review status: criteria provided, conflicting classifications (1 of 4 stars). 4 submissions from 4 submitters: Uncertain significance (3); Benign (1). Last evaluated 2025-12-02.

Conditions:
Ehlers-Danlos syndrome, classic type, 1 (EDSCL1). Also called: Ehlers-Danlos syndrome, type 1; Ehlers-Danlos Syndrome, Classic Type, COL5A1-Related; EDS I; EHLERS-DANLOS SYNDROME, GRAVIS TYPE; EHLERS-DANLOS SYNDROME, SEVERE CLASSIC TYPE. Identifiers: MedGen C0268335, MONDO:0019567, OMIM 130000.
Familial thoracic aortic aneurysm and aortic dissection (TAAD). Also called: Thoracic aortic aneurysms and dissections. Identifiers: Orphanet 91387, MedGen C4707243, MONDO:0019625.

Allele frequency attached by ClinVar (database versions not stated): gnomAD 0.00003; ExAC 0.00002; gnomAD exomes 0.00003; TOPMed 0.00003.
gnomAD v4.1: 101 of 1,613,938 alleles (0.0063%); highest among the groups gnomAD compares: Non-Finnish European, 0.0082%; no homozygotes.

Submissions (4):

Labcorp Genetics (formerly Invitae), Labcorp
Classification: Benign for Ehlers-Danlos syndrome, classic type, 1. Last evaluated: 2025-12-02. Review status: criteria provided, single submitter. Criteria: Invitae Variant Classification Sherloc (09022015). Collection method: clinical testing. Allele origin: germline.

Mayo Clinic Laboratories, Mayo Clinic
Classification: Uncertain significance. Last evaluated: 2025-07-29. Review status: criteria provided, single submitter. Criteria: ACMG Guidelines, 2015. Collection method: clinical testing. Allele origin: germline. Observed: 2 variant alleles.
Comment: BP4

Ambry Genetics
Classification: Uncertain significance for Familial thoracic aortic aneurysm and aortic dissection. Last evaluated: 2025-01-31. Review status: criteria provided, single submitter. Criteria: Ambry Variant Classification Scheme 2023. Collection method: clinical testing. Allele origin: germline.
Comment: The p.P1371A variant (also known as c.4111C>G), located in coding exon 52 of the COL5A1 gene, results from a C to G substitution at nucleotide position 4111. The proline at codon 1371 is replaced by alanine, an amino acid with highly similar properties. This amino acid position is not well conserved in available vertebrate species. In addition, this alteration is predicted to be tolerated by in silico analysis. Based on the available evidence, the clinical significance of this variant remains unclear.

GeneDx
Classification: Uncertain significance. Last evaluated: 2022-08-05. Review status: criteria provided, single submitter. Criteria: GeneDx Variant Classification Process June 2021. Collection method: clinical testing. Allele origin: germline. Affected: yes.
Comment: Has not been previously published as pathogenic or benign to our knowledge; Occurs in the triple helical domain at the Y position in the canonical Gly-X-Y repeat; although this variant may have an effect on normal protein folding and function, missense substitution at the Y position is not a common mechanism of disease (Symoens et al., 2012; HGMD); In silico analysis, which includes protein predictors and evolutionary conservation, supports a deleterious effect

Literature cited by the submitters: PubMed 38534782 (cited by Ambry Genetics).

NM_000093.5(COL5A1):c.4111C>G (p.Pro1371Ala)

Gene: COL5A1 (collagen type V alpha 1 chain; plus strand). Cytogenetic location: 9q34.3.
Variant type: single nucleotide variant.
Coding change: c.4111C>G on transcript NM_000093.5 (MANE Select); coding-DNA position 4111, C replaced by G.
Protein change: p.Pro1371Ala; replaces proline 1371 with alanine.
Molecular consequence: missense variant.
Genome position (GRCh38, 1-based): chr9:134,815,977, C>G. VCF-style: chr9-134815977-C-G. GRCh37 (hg19) VCF-style: chr9-137707823-C-G.
Other names: p.Pro1371Ala; c.4111C>G, p.Pro1371Ala (NM_001278074.1); short protein forms P1371A.
Identifiers: ClinVar variation 848768 (VCV000848768.18), dbSNP rs749162303, ClinGen allele CA5320137.